The following is an entry in ClinVar:

ClinVar aggregate classification (germline): Uncertain significance (1 of 4 stars; one submission).

Allele frequency attached by ClinVar (database versions not stated): ExAC 0.00002.
gnomAD v4.1: 3 of 1,613,052 alleles (0.00019%); highest among the groups gnomAD compares: Admixed American, 0.0033%; no homozygotes.

Submission:

Labcorp Genetics (formerly Invitae), Labcorp
Classification: Uncertain significance. Last evaluated: 2022-08-19. Review status: criteria provided, single submitter. Criteria: Invitae Variant Classification Sherloc (09022015). Collection method: clinical testing. Allele origin: germline.
Comment: This sequence change replaces proline, which is neutral and non-polar, with leucine, which is neutral and non-polar, at codon 685 of the TPRN protein (p.Pro685Leu). This variant is present in population databases (rs778804291, gnomAD 0.006%). This variant has not been reported in the literature in individuals affected with TPRN-related conditions. Algorithms developed to predict the effect of missense changes on protein structure and function output the following: SIFT: "Tolerated"; PolyPhen-2: "Benign"; Align-GVGD: "Class C0". The leucine amino acid residue is found in multiple mammalian species, which suggests that this missense change does not adversely affect protein function. In summary, the available evidence is currently insufficient to determine the role of this variant in disease. Therefore, it has been classified as a Variant of Uncertain Significance.

NM_001128228.3(TPRN):c.2054C>T (p.Pro685Leu)

Gene: TPRN (taperin; minus strand). Cytogenetic location: 9q34.3.
Variant type: single nucleotide variant.
Coding change: c.2054C>T on transcript NM_001128228.3 (MANE Select); coding-DNA position 2054, C replaced by T.
Protein change: p.Pro685Leu; replaces proline 685 with leucine.
Molecular consequence: missense variant.
Genome position (GRCh38, 1-based): chr9:137,192,278, G>A on the plus strand (C>T on the coding strand, the complement: TPRN is on the minus strand). VCF-style: chr9-137192278-G-A. GRCh37 (hg19) VCF-style: chr9-140086730-G-A.
Other names: short protein forms P685L.
Identifiers: ClinVar variation 2034941 (VCV002034941.1), dbSNP rs778804291, ClinGen allele CA5362542.